The following is an entry in ClinVar:

ClinVar aggregate classification (germline): Benign/Likely benign. Review status: criteria provided, multiple submitters, no conflicts (2 of 4 stars). 4 submissions from 4 submitters: Benign (1); Likely benign (2). 1 of the submissions does not count toward it. Last evaluated 2026-08-05.

Conditions:
Usher syndrome type 2A. Also called: RETINAL DISEASE IN USHER SYNDROME TYPE IIA, MODIFIER OF; USHER SYNDROME, TYPE IIA. Identifiers: Orphanet 231178, Orphanet 886, MedGen C1848634, MONDO:0010169, OMIM 276901.
USH2A-related disorder. Also called: USH2A-related condition; USH2A-related disorders. Identifiers: MedGen CN239332.

Allele frequency attached by ClinVar (database versions not stated): gnomAD below 0.00001 and 0.00004; TOPMed below 0.00001; ExAC 0.00020.
gnomAD v4.1: 156 of 1,613,926 alleles (0.0097%); highest among the groups gnomAD compares: South Asian, 0.17%; 6 homozygotes.

Submissions (4):

PreventionGenetics, part of Exact Sciences
Classification: Likely benign for USH2A-related condition. Last evaluated: 2026-08-05. Review status: criteria provided, single submitter. Criteria: ACMG Guidelines, 2015. Collection method: clinical testing. Allele origin: germline.
Comment: This variant is classified as likely benign based on ACMG/AMP sequence variant interpretation guidelines (Richards et al. 2015 PMID: 25741868, with internal and published modifications).

Labcorp Genetics (formerly Invitae), Labcorp
Classification: Benign. Last evaluated: 2025-12-26. Review status: criteria provided, single submitter. Criteria: Invitae Variant Classification Sherloc (09022015). Collection method: clinical testing. Allele origin: germline.

Blueprint Genetics
Classification: Likely benign. Last evaluated: 2024-10-23. Review status: criteria provided, single submitter. Criteria: ACMG Guidelines, 2015. Collection method: clinical testing. Allele origin: germline.

Natera, Inc.
Classification: Uncertain significance for Usher syndrome type 2A. Last evaluated: 2020-03-11. Review status: no assertion criteria provided. Collection method: clinical testing. Allele origin: germline. Not counted in ClinVar's aggregate classification.

NM_206933.4(USH2A):c.3678G>A (p.Gly1226=)

Genes: USH2A (usherin; minus strand), USH2A-AS1 (USH2A antisense RNA 1; plus strand). Cytogenetic location: 1q41.
Variant type: single nucleotide variant.
Coding change: c.3678G>A on transcript NM_206933.4 (MANE Select); coding-DNA position 3678, G replaced by A.
Protein change: p.Gly1226=; no amino-acid change (glycine 1226 retained).
Molecular consequence: synonymous variant.
Genome position (GRCh38, 1-based): chr1:216,199,760, C>T on the plus strand (G>A on the coding strand, the complement: USH2A is on the minus strand). VCF-style: chr1-216199760-C-T. GRCh37 (hg19) VCF-style: chr1-216373102-C-T.
Other names: c.3678G>A, p.Gly1226= (NM_007123.6).
Identifiers: ClinVar variation 752430 (VCV000752430.12), dbSNP rs376090043, ClinGen allele CA1395942.
Genomic context (GRCh38, chr1:216,199,760, plus strand): 5'-TAGTCTTTGGGGAGGGGCCTGGGCTGTGGTCACTGTAATGGGCAAGCTGTGTAAACAGCC[C>T]CCGCTAGTACACGCCTGTACAGAAAAATCGTACTTGGCAAATGGAACCAGATTCCAGATG-3'
Protein context (NP_996816.3, residues 1216-1236): YDFSVQACTS[Gly1226=]GCLHSLPITV